The following is an entry in ClinVar:

NM_001170629.2(CHD8):c.5224G>T (p.Gly1742Cys)

Gene: CHD8 (chromodomain helicase DNA binding protein 8; minus strand). Cytogenetic location: 14q11.2.
Variant type: single nucleotide variant.
Coding change: c.5224G>T on transcript NM_001170629.2 (MANE Select); coding-DNA position 5224, G replaced by T.
Protein change: p.Gly1742Cys; replaces glycine 1742 with cysteine.
Molecular consequence: missense variant.
Genome position (GRCh38, 1-based): chr14:21,395,078, C>A on the plus strand (G>T on the coding strand, the complement: CHD8 is on the minus strand). VCF-style: chr14-21395078-C-A. GRCh37 (hg19) VCF-style: chr14-21863237-C-A.
Other names: c.4387G>T, p.Gly1463Cys (NM_020920.4); short protein forms G1463C, G1742C.
Identifiers: ClinVar variation 1304503 (VCV001304503.4), dbSNP rs1405068764, ClinGen allele CA388884229.
Genomic context (GRCh38, chr14:21,395,078, plus strand): 5'-TCTTGTAGCTGCGCTGATACGCTGTTACTAGACGCCGAAGCCTAGCTGTTAGGGCAGAGC[C>A]CGGAGGCCAGAATAAATGGCCTGGCTGTTGGGTCACCTGGGCTGTGGAAAACAAAGTAGA-3'
Protein context (NP_001164100.1, residues 1732-1752): QQPGHLFWPP[Gly1742Cys]SALTARLRRL

ClinVar aggregate classification (germline): Uncertain significance. Review status: criteria provided, multiple submitters, no conflicts (2 of 4 stars). 2 submissions from 2 submitters: Uncertain significance (2). Last evaluated 2022-12-06.

Conditions:
Inborn genetic diseases. Identifiers: MedGen C0950123, MeSH D030342.

Allele frequency attached by ClinVar (database versions not stated): TOPMed below 0.00001; gnomAD 0.00001; gnomAD exomes 0.00001.
gnomAD v4.1: 8 of 1,613,822 alleles (0.0005%); highest among the groups gnomAD compares: Admixed American, 0.0017%; no homozygotes.

Submissions (2):

Ambry Genetics
Classification: Uncertain significance for Inborn genetic diseases. Last evaluated: 2022-12-06. Review status: criteria provided, single submitter. Criteria: Ambry Variant Classification Scheme 2023. Collection method: clinical testing. Allele origin: germline.

GeneDx
Classification: Uncertain significance. Last evaluated: 2019-01-11. Review status: criteria provided, single submitter. Criteria: GeneDx Variant Classification Process June 2021. Collection method: clinical testing. Allele origin: germline. Affected: yes.
Comment: Not observed in large population cohorts (Lek et al., 2016); In silico analysis, which includes protein predictors and evolutionary conservation, supports that this variant does not alter protein structure/function; Has not been previously published as pathogenic or benign to our knowledge